The following is an entry in ClinVar:

NM_001159699.2(FHL1):c.728C>G (p.Pro243Arg)

Gene: FHL1 (four and a half LIM domains 1; plus strand). Cytogenetic location: Xq26.3.
Variant type: single nucleotide variant.
Coding change: c.728C>G on transcript NM_001159699.2 (MANE Select); coding-DNA position 728, C replaced by G.
Protein change: p.Pro243Arg; replaces proline 243 with arginine.
Molecular consequence: missense variant. On other transcripts: non-coding transcript variant (1), intron variant (2).
Genome position (GRCh38, 1-based): chrX:136,208,633, C>G. VCF-style: chrX-136208633-C-G. GRCh37 (hg19) VCF-style: chrX-135290792-C-G.
Other names: c.680C>G, p.Pro227Arg (NM_001159700.2, NM_001159702.3, NM_001159704.1 and 8 more transcripts); c.767C>G, p.Pro256Arg (NM_001159701.2); c.501+672C>G (NM_001159703.2); c.549+672C>G (NM_001330659.2); short protein forms P227R, P243R, P256R.
Identifiers: ClinVar variation 4024972 (VCV004024972.1).

ClinVar aggregate classification (germline): Uncertain significance (1 of 4 stars; one submission).

Conditions:
Cardiovascular phenotype. Identifiers: MedGen CN230736.

gnomAD v4.1: 6 of 1,209,797 alleles (0.0005%); highest among the groups gnomAD compares: Non-Finnish European, 0.00067%; no homozygotes.

Submission:

Ambry Genetics
Classification: Uncertain significance for Cardiovascular phenotype. Last evaluated: 2025-04-12. Review status: criteria provided, single submitter. Criteria: Ambry Variant Classification Scheme 2023. Collection method: clinical testing. Allele origin: germline.
Comment: The p.P227R variant (also known as c.680C>G), located in coding exon 4 of the FHL1 gene, results from a C to G substitution at nucleotide position 680. The proline at codon 227 is replaced by arginine, an amino acid with dissimilar properties. This amino acid position is conserved. In addition, this alteration is predicted to be deleterious by in silico analysis. Based on the available evidence, the clinical significance of this variant remains unclear.